The following is an entry in ClinVar:

NM_000059.4(BRCA2):c.7513C>G (p.Pro2505Ala)

Gene: BRCA2 (BRCA2 DNA repair associated; plus strand). Cytogenetic location: 13q13.1.
Variant type: single nucleotide variant.
Coding change: c.7513C>G on transcript NM_000059.4 (MANE Select); coding-DNA position 7513, C replaced by G.
Protein change: p.Pro2505Ala; replaces proline 2505 with alanine.
Molecular consequence: missense variant.
Genome position (GRCh38, 1-based): chr13:32,356,505, C>G. VCF-style: chr13-32356505-C-G. GRCh37 (hg19) VCF-style: chr13-32930642-C-G.
Other names: short protein forms P2505A.
Identifiers: ClinVar variation 1431818 (VCV001431818.6), dbSNP rs2137562422, ClinGen allele CA387743491.

ClinVar aggregate classification (germline): Uncertain significance (1 of 4 stars; one submission).

Conditions:
Hereditary breast ovarian cancer syndrome. Also called: Hereditary breast and ovarian cancer syndrome (HBOC); Breast and ovarian cancer; BRCA1- and BRCA2-Associated Hereditary Breast and Ovarian Cancer; Hereditary breast and/or ovarian cancer syndrome; Hereditary breast and ovarian cancer; Hereditary breast and ovarian cancer syndrome. Identifiers: Orphanet 145, MedGen C0677776, MeSH D061325, MONDO:0003582. Disease mechanism: loss of function.

Submission:

Labcorp Genetics (formerly Invitae), Labcorp
Classification: Uncertain significance for Hereditary breast ovarian cancer syndrome. Last evaluated: 2022-02-24. Review status: criteria provided, single submitter. Criteria: Invitae Variant Classification Sherloc (09022015). Collection method: clinical testing. Allele origin: germline.
Comment: In summary, the available evidence is currently insufficient to determine the role of this variant in disease. Therefore, it has been classified as a Variant of Uncertain Significance. Algorithms developed to predict the effect of sequence changes on RNA splicing suggest that this variant may disrupt the consensus splice site. Advanced modeling of protein sequence and biophysical properties (such as structural, functional, and spatial information, amino acid conservation, physicochemical variation, residue mobility, and thermodynamic stability) performed at Invitae indicates that this missense variant is not expected to disrupt BRCA2 protein function. This variant has not been reported in the literature in individuals affected with BRCA2-related conditions. This variant is not present in population databases (gnomAD no frequency). This sequence change replaces proline, which is neutral and non-polar, with alanine, which is neutral and non-polar, at codon 2505 of the BRCA2 protein (p.Pro2505Ala).